The following is an entry in ClinVar:

ClinVar aggregate classification (germline): Uncertain significance (1 of 4 stars; one submission).

Allele frequency attached by ClinVar (database versions not stated): gnomAD exomes below 0.00001; TOPMed below 0.00001; ESP Exome Variant Server 0.00008.
gnomAD v4.1: 1 of 1,613,456 alleles (0.000062%); highest among the groups gnomAD compares: Non-Finnish European, 0.000085%; no homozygotes.

Submission:

Labcorp Genetics (formerly Invitae), Labcorp
Classification: Uncertain significance. Last evaluated: 2022-03-23. Review status: criteria provided, single submitter. Criteria: Invitae Variant Classification Sherloc (09022015). Collection method: clinical testing. Allele origin: germline.
Comment: In summary, the available evidence is currently insufficient to determine the role of this variant in disease. Therefore, it has been classified as a Variant of Uncertain Significance. Algorithms developed to predict the effect of missense changes on protein structure and function are either unavailable or do not agree on the potential impact of this missense change (SIFT: "Deleterious"; PolyPhen-2: "Benign"; Align-GVGD: "Class C0"). This variant has not been reported in the literature in individuals affected with EPS8L2-related conditions. This variant is not present in population databases (gnomAD no frequency). This sequence change replaces histidine, which is basic and polar, with asparagine, which is neutral and polar, at codon 705 of the EPS8L2 protein (p.His705Asn).

NM_022772.4(EPS8L2):c.2113C>A (p.His705Asn)

Gene: EPS8L2 (EPS8 signaling adaptor L2; plus strand). Cytogenetic location: 11p15.5.
Variant type: single nucleotide variant.
Coding change: c.2113C>A on transcript NM_022772.4 (MANE Select); coding-DNA position 2113, C replaced by A.
Protein change: p.His705Asn; replaces histidine 705 with asparagine.
Molecular consequence: missense variant.
Genome position (GRCh38, 1-based): chr11:726,946, C>A. VCF-style: chr11-726946-C-A. GRCh37 (hg19) VCF-style: chr11-726946-C-A.
Other names: short protein forms H705N.
Identifiers: ClinVar variation 2116096 (VCV002116096.4), dbSNP rs147871566, ClinGen allele CA5787920.